The following is an entry in ClinVar:

NM_018979.4(WNK1):c.4583C>T (p.Ser1528Leu)

Gene: WNK1 (WNK lysine deficient protein kinase 1; plus strand). Cytogenetic location: 12p13.33.
Variant type: single nucleotide variant.
Coding change: c.4583C>T on transcript NM_018979.4 (MANE Select); coding-DNA position 4583, C replaced by T.
Protein change: p.Ser1528Leu; replaces serine 1528 with leucine.
Molecular consequence: missense variant.
Genome position (GRCh38, 1-based): chr12:885,387, C>T. VCF-style: chr12-885387-C-T. GRCh37 (hg19) VCF-style: chr12-994553-C-T.
Other names: c.5363C>T, p.Ser1788Leu (NM_001184985.2); c.3842C>T, p.Ser1281Leu (NM_014823.3); c.5339C>T, p.Ser1780Leu (NM_213655.5); short protein forms S1788L, S1780L, S1281L, S1528L.
Identifiers: ClinVar variation 2151505 (VCV002151505.5), dbSNP rs1407431511, ClinGen allele CA383331520.

ClinVar aggregate classification (germline): Uncertain significance. Review status: criteria provided, multiple submitters, no conflicts (2 of 4 stars). 2 submissions from 2 submitters: Uncertain significance (2). Last evaluated 2024-03-04.

Conditions:
Neuropathy, hereditary sensory and autonomic, type 2A (HSAN2A). Also called: ACROOSTEOLYSIS, GIACCAI TYPE; ACROOSTEOLYSIS, NEUROGENIC; MORVAN DISEASE; NEUROPATHY, CONGENITAL SENSORY; NEUROPATHY, HEREDITARY SENSORY RADICULAR, AUTOSOMAL RECESSIVE; NEUROPATHY, HEREDITARY SENSORY, TYPE IIA. Identifiers: Orphanet 970, MedGen C2752089, MONDO:0024309, OMIM 201300.
Pseudohypoaldosteronism type 2C (PHA2C). Also called: Pseudohypoaldosteronism Type IIC. Identifiers: Orphanet 757, Orphanet 88940, MedGen C1840391, MONDO:0013778, OMIM 614492.

Allele frequency attached by ClinVar (database versions not stated): gnomAD exomes below 0.00001; TOPMed 0.00002.
gnomAD v4.1: 1 of 1,613,780 alleles (0.000062%); highest among the groups gnomAD compares: Non-Finnish European, 0.000085%; no homozygotes.

Submissions (2):

Fulgent Genetics
Classification: Uncertain significance for Neuropathy, hereditary sensory and autonomic, type 2A; Pseudohypoaldosteronism type 2C. Last evaluated: 2024-03-04. Review status: criteria provided, single submitter. Criteria: ACMG Guidelines, 2015. Collection method: clinical testing. Allele origin: germline.

Labcorp Genetics (formerly Invitae), Labcorp
Classification: Uncertain significance for Neuropathy, hereditary sensory and autonomic, type 2A; Pseudohypoaldosteronism type 2C. Last evaluated: 2022-09-20. Review status: criteria provided, single submitter. Criteria: Invitae Variant Classification Sherloc (09022015). Collection method: clinical testing. Allele origin: germline.
Comment: This sequence change replaces serine, which is neutral and polar, with leucine, which is neutral and non-polar, at codon 1780 of the WNK1 protein (p.Ser1780Leu). In summary, the available evidence is currently insufficient to determine the role of this variant in disease. Therefore, it has been classified as a Variant of Uncertain Significance. Advanced modeling of protein sequence and biophysical properties (such as structural, functional, and spatial information, amino acid conservation, physicochemical variation, residue mobility, and thermodynamic stability) performed at Invitae indicates that this missense variant is not expected to disrupt WNK1 protein function. This variant is not present in population databases (gnomAD no frequency). This variant has not been reported in the literature in individuals affected with WNK1-related conditions.